The following is an entry in ClinVar:

ClinVar aggregate classification (germline): Uncertain significance (1 of 4 stars; one submission).

Submission:

Ambry Genetics
Classification: Uncertain significance. Last evaluated: 2022-03-08. Review status: criteria provided, single submitter. Criteria: Ambry Variant Classification Scheme 2023. Collection method: clinical testing. Allele origin: germline.
Comment: The p.V482M variant (also known as c.1444G>A), located in coding exon 13 of the PRKDC gene, results from a G to A substitution at nucleotide position 1444. The valine at codon 482 is replaced by methionine, an amino acid with highly similar properties. This amino acid position is conserved. In addition, this alteration is predicted to be tolerated by in silico analysis. Since supporting evidence is limited at this time, the clinical significance of this alteration remains unclear.

NM_006904.7(PRKDC):c.1444G>A (p.Val482Met)

Gene: PRKDC (protein kinase, DNA-activated, catalytic subunit; minus strand). Cytogenetic location: 8q11.21.
Variant type: single nucleotide variant.
Coding change: c.1444G>A on transcript NM_006904.7 (MANE Select); coding-DNA position 1444, G replaced by A.
Protein change: p.Val482Met; replaces valine 482 with methionine.
Molecular consequence: missense variant.
Genome position (GRCh38, 1-based): chr8:47,935,735, C>T on the plus strand (G>A on the coding strand, the complement: PRKDC is on the minus strand). VCF-style: chr8-47935735-C-T. GRCh37 (hg19) VCF-style: chr8-48848295-C-T.
Other names: c.1444G>A, p.Val482Met (NM_001081640.2); short protein forms V482M.
Identifiers: ClinVar variation 1772777 (VCV001772777.2), dbSNP rs757632607, ClinGen allele CA4741739.
Genomic context (GRCh38, chr8:47,935,735, plus strand): 5'-CAAATAATGTGTTAATTATCCATCATTACTCATAAATACAATAAATTGCAAACTTACCCA[C>T]AGTACTAATGCAATTCCTGAGAACTGGCCCTTTTGCTGCCAAAGCTAGGAACACCTTCAC-3'
Protein context (NP_008835.5, residues 472-492): GPVLRNCIST[Val482Met]VHQGLIRICS